The following is an entry in ClinVar:

ClinVar aggregate classification (germline): Likely pathogenic (1 of 4 stars; one submission).

Conditions:
Neurofibromatosis, type 1 (NF1). Also called: VON RECKLINGHAUSEN DISEASE; NEUROFIBROMATOSIS, TYPE I, SOMATIC; Peripheral type neurofibromatosis; Neurofibromatosis, type I. Identifiers: Orphanet 636, MedGen C0027831, MONDO:0018975, OMIM 162200. Disease mechanism: loss of function.

Submission:

Labcorp Genetics (formerly Invitae), Labcorp
Classification: Likely pathogenic for Neurofibromatosis, type 1. Last evaluated: 2023-09-19. Review status: criteria provided, single submitter. Criteria: Invitae Variant Classification Sherloc (09022015). Collection method: clinical testing. Allele origin: germline.
Comment: This sequence change falls in intron 16 of the NF1 gene. It does not directly change the encoded amino acid sequence of the NF1 protein. This variant is not present in population databases (gnomAD no frequency). This variant has been observed in individual(s) with neurofibromatosis, type 1 (Invitae). Variants that disrupt the consensus splice site are a relatively common cause of aberrant splicing (PMID: 17576681, 9536098). Studies have shown that this variant is associated with altered splicing resulting in multiple RNA products (Invitae). In summary, the currently available evidence indicates that the variant is pathogenic, but additional data are needed to prove that conclusively. Therefore, this variant has been classified as Likely Pathogenic.

Literature cited by the submitters: PubMed 17576681; PubMed 9536098.

NM_001042492.3(NF1):c.1845+3_1845+4insGGGCCGGGCGCGGTGGCTCACGCCTGTAATCCCAGCACTTTGGGAGGCCGAGGCGGGCGGATCACGAGGTCNNNNNNNNNNAAAAAAAAAAAAAAAAAAAAAAAAAAAAAAAAAAAAAATAAGGTA

Gene: NF1 (neurofibromin 1; plus strand). Cytogenetic location: 17q11.2.
Variant type: Microsatellite.
Coding change: c.1845+3_1845+4insGGGCCGGGCGCGGTGGCTCACGCCTGTAATCCCAGCACTTTGGGAGGCCGAGGCGGGCGGATCACGAGGTCNNNNNNNNNNAAAAAAAAAAAAAAAAAAAAAAAAAAAAAAAAAAAAAATAAGGTA on transcript NM_001042492.3 (MANE Select); bases 3 to 4 of the intron after coding-DNA position 1845, GGGCCGGGCGCGGTGGCTCACGCCTGTAATCCCAGCACTTTGGGAGGCCGAGGCGGGCGGATCACGAGGTCNNNNNNNNNNAAAAAAAAAAAAAAAAAAAAAAAAAAAAAAAAAAAAAATAAGGTA inserted.
Molecular consequence: splice donor variant.
Genome position: GRCh38: chr17:31,223,559-31,223,570. GRCh37 (hg19): chr17:29,550,577-29,550,588.
Other names: c.1845+3_1845+4insGGGCCGGGCGCGGTGGCTCACGCCTGTAATCCCAGCACTTTGGGAGGCCGAGGCGGGCGGATCACGAGGTCNNNNNNNNNNAAAAAAAAAAAAAAAAAAAAAAAAAAAAAAAAAAAAAATAAGGTA (NM_000267.4).
Identifiers: ClinVar variation 2762056 (VCV002762056.3).